The following is an entry in ClinVar:

NM_020117.11(LARS1):c.2769+7T>A

Gene: LARS1 (leucyl-tRNA synthetase 1; minus strand). Cytogenetic location: 5q32.
Variant type: single nucleotide variant.
Coding change: c.2769+7T>A on transcript NM_020117.11 (MANE Select); 7 bases into the intron after coding-DNA position 2769, T replaced by A.
Molecular consequence: intron variant.
Genome position (GRCh38, 1-based): chr5:146,128,971, A>T on the plus strand (T>A on the coding strand, the complement: LARS1 is on the minus strand). VCF-style: chr5-146128971-A-T. GRCh37 (hg19) VCF-style: chr5-145508534-A-T.
Other names: c.2607+7T>A (NM_001317965.2); c.2688+7T>A (NM_016460.4); c.2631+7T>A (NM_001317964.2).
Identifiers: ClinVar variation 516145 (VCV000516145.4), dbSNP rs201994812, ClinGen allele CA3489247.

ClinVar aggregate classification (germline): Benign/Likely benign. Review status: criteria provided, multiple submitters, no conflicts (2 of 4 stars). 2 submissions from 2 submitters: Benign (1); Likely benign (1). Last evaluated 2026-01-09.

Allele frequency attached by ClinVar (database versions not stated): gnomAD 0.00005; gnomAD exomes 0.00006 and 0.00012; TOPMed 0.00008; ExAC 0.00012.
gnomAD v4.1: 97 of 1,573,842 alleles (0.0062%); highest among the groups gnomAD compares: Admixed American, 0.011%; no homozygotes.

Submissions (2):

Labcorp Genetics (formerly Invitae), Labcorp
Classification: Benign. Last evaluated: 2026-01-09. Review status: criteria provided, single submitter. Criteria: Invitae Variant Classification Sherloc (09022015). Collection method: clinical testing. Allele origin: germline.

GeneDx
Classification: Likely benign. Last evaluated: 2017-12-27. Review status: criteria provided, single submitter. Criteria: GeneDx Variant Classification (06012015). Collection method: clinical testing. Allele origin: germline. Affected: yes.
Comment: This variant is considered likely benign or benign based on one or more of the following criteria: it is a conservative change, it occurs at a poorly conserved position in the protein, it is predicted to be benign by multiple in silico algorithms, and/or has population frequency not consistent with disease.